The following is an entry in ClinVar:

ClinVar aggregate classification (germline): Likely benign. Review status: criteria provided, multiple submitters, no conflicts (2 of 4 stars). 2 submissions from 2 submitters: Likely benign (2). Last evaluated 2024-10-30.

Conditions:
Koolen-de Vries syndrome (KDVS). Identifiers: Orphanet 96169, MedGen C1864871, MONDO:0012496, OMIM 610443.

Allele frequency attached by ClinVar (database versions not stated): TOPMed below 0.00001; gnomAD exomes 0.00001; gnomAD 0.00003.
gnomAD v4.1: 10 of 1,561,174 alleles (0.00064%); highest among the groups gnomAD compares: Admixed American, 0.0056%; no homozygotes.

Submissions (2):

Labcorp Genetics (formerly Invitae), Labcorp
Classification: Likely benign for Koolen-de Vries syndrome. Last evaluated: 2024-10-30. Review status: criteria provided, single submitter. Criteria: Invitae Variant Classification Sherloc (09022015). Collection method: clinical testing. Allele origin: germline.

GeneDx
Classification: Likely benign. Last evaluated: 2016-01-14. Review status: criteria provided, single submitter. Criteria: GeneDx Variant Classification (06012015). Collection method: clinical testing. Allele origin: germline. Affected: yes.
Comment: This variant is considered likely benign or benign based on one or more of the following criteria: it is a conservative change, it occurs at a poorly conserved position in the protein, it is predicted to be benign by multiple in silico algorithms, and/or has population frequency not consistent with disease.

NM_015443.4(KANSL1):c.2837+8G>A

Gene: KANSL1 (KAT8 regulatory NSL complex subunit 1). Cytogenetic location: 17q21.31.
Variant type: single nucleotide variant.
Coding change: c.2837+8G>A on transcript NM_015443.4 (MANE Select); 8 bases into the intron after coding-DNA position 2837, G replaced by A.
Molecular consequence: intron variant.
Genome position (GRCh38, 1-based): chr17:46,033,072, C>T on the plus strand (G>A on the coding strand, the complement: KANSL1 is on the minus strand). VCF-style: chr17-46033072-C-T. GRCh37 (hg19) VCF-style: chr17-44110438-C-T.
Other names: c.2834+8G>A (NM_001193465.2); c.2837+8G>A (NM_001379198.1, NM_001193466.2).
Identifiers: ClinVar variation 382722 (VCV000382722.5), dbSNP rs1057521434, ClinGen allele CA16607693.
Genomic context (GRCh38, chr17:46,033,072, plus strand): 5'-AAGTAGGGCCCAAACTCCCTGTCCACCCTCTCTCCACAGGCCCTGGGGACCCAAGCCTGC[C>T]CCATCACCTGCTGCCCCGCCGCTGGGGTGGCACACTCGTGGTCCACAGCCACCGTGCCCT-3'